The following is an entry in ClinVar:

NM_002834.5(PTPN11):c.179_181del (p.Gly60del)

Gene: PTPN11 (protein tyrosine phosphatase non-receptor type 11; plus strand). Cytogenetic location: 12q24.13.
Variant type: Deletion.
Coding change: c.179_181del on transcript NM_002834.5 (MANE Select); coding-DNA positions 179 to 181, 3 bases deleted (GTG; older notation c.179_181delGTG).
Protein change: p.Gly60del; deletes glycine 60.
Molecular consequence: inframe deletion.
Genome position (GRCh38, 1-based): chr12:112,450,359-112,450,361, GTG deleted; deleting any 3 consecutive bases within chr12:112,450,357-112,450,361 gives the same sequence; the c. name uses the placement nearest the transcript's 3' end. VCF-style (leftmost placement, unchanged base first): chr12-112450356-CTGG-C. GRCh37 (hg19) VCF-style: chr12-112888160-CTGG-C.
Other names: c.179_181del, p.Gly60del (NM_001330437.2, NM_080601.3); c.176_178del, p.Gly59del (NM_001374625.1); short protein forms G60del, G59del.
Identifiers: ClinVar variation 13346 (VCV000013346.9), dbSNP rs80338836, ClinGen allele CA341279.
Genomic context (GRCh38, chr12:112,450,356, plus strand): 5'-CCTTTCCAATGGACTATTTTAGAAGAAATGGAGCTGTCACCCACATCAAGATTCAGAACA[CTGG>C]TGATTACTATGACCTGTATGGAGGGGAGAAATTTGCCACTTTGGCTGAGTTGGTCCAGTA-3'

ClinVar aggregate classification (germline): Pathogenic/Likely pathogenic. Review status: criteria provided, multiple submitters, no conflicts (2 of 4 stars). 4 submissions from 4 submitters: Pathogenic (1); Likely pathogenic (1). 2 of the submissions do not count toward it. Last evaluated 2025-09-23.

Conditions:
RASopathy. Also called: Noonan spectrum disorder; rasopathies. Identifiers: Orphanet 536391, MedGen C5555857, MONDO:0021060.
Noonan syndrome 1 (NS1). Also called: FEMALE PSEUDO-TURNER SYNDROME; PTPN11-Related Noonan Syndrome; TURNER PHENOTYPE WITH NORMAL KARYOTYPE. Identifiers: Orphanet 648, MedGen C4551602, MONDO:0008104, OMIM 163950. Disease mechanism: gain of function.

Submissions (4):

3billion
Classification: Likely pathogenic for Noonan syndrome 1. Last evaluated: 2025-09-23. Review status: criteria provided, single submitter. Criteria: ACMG Guidelines, 2015. Collection method: clinical testing. Allele origin: germline. Affected: yes.
Comment: The variant is not observed in the gnomAD v4.1.0 dataset. Predicted Consequence/Location: The variant is located in a mutational hot spot and/or well-established functional domain in which established pathogenic variants have been reported. Inframe deletion located in a nonrepeat region: predicted to change the length of the protein and disrupt normal protein function. In silico tool predictions suggest damaging effect of the variant on gene or gene product [3Cnet: 1.00 (damaging >0.75, benign <0.1)]. The variant has been observed in at least two similarly affected unrelated individuals (PMID: 15211660, 15240615, 33167018). The variant has been reported at least twice as pathogenic without evidence for the classification (ClinVar ID: VCV000013346 /PMID: 15240615). Therefore, this variant is classified as Likely pathogenic according to the recommendation of ACMG/AMP guideline.

Labcorp Genetics (formerly Invitae), Labcorp
Classification: Pathogenic for RASopathy. Last evaluated: 2024-04-25. Review status: criteria provided, single submitter. Criteria: Invitae Variant Classification Sherloc (09022015). Collection method: clinical testing. Allele origin: germline.
Comment: This variant, c.179_181del, results in the deletion of 1 amino acid(s) of the PTPN11 protein (p.Gly60del), but otherwise preserves the integrity of the reading frame. This variant is not present in population databases (gnomAD no frequency). This variant has been observed in individual(s) with Noonan syndrome (PMID: 15211660, 33167018, 34184824; Invitae). In at least one individual the variant was observed to be de novo. ClinVar contains an entry for this variant (Variation ID: 13346). For these reasons, this variant has been classified as Pathogenic.

OMIM
Classification: Pathogenic for NOONAN SYNDROME. Last evaluated: 2004-07-01. Review status: no assertion criteria provided. Collection method: literature only. Allele origin: germline. Not counted in ClinVar's aggregate classification.

GeneReviews
No classification provided. Condition: Noonan syndrome 1. Review status: no classification provided. Collection method: literature only. Allele origin: unknown. Not counted in ClinVar's aggregate classification.

Literature cited by the submitters: PubMed 15211660 (cited by 3billion and Labcorp Genetics (formerly Invitae), Labcorp); PubMed 33167018 (cited by 3billion and Labcorp Genetics (formerly Invitae), Labcorp); PubMed 15240615 (cited by 3 submitters); PubMed 34184824 (cited by Labcorp Genetics (formerly Invitae), Labcorp); PubMed 20301303 (cited by GeneReviews); NCBI Bookshelf NBK1124 (cited by GeneReviews).